The following is an entry in ClinVar:

NM_000218.3(KCNQ1):c.1861G>A (p.Gly621Ser)

Genes: KCNQ1 (potassium voltage-gated channel subfamily Q member 1; plus strand), KCNQ1-AS1 (KCNQ1 antisense RNA 1; minus strand). Cytogenetic location: 11p15.4.
Variant type: single nucleotide variant.
Coding change: c.1861G>A on transcript NM_000218.3 (MANE Select); coding-DNA position 1861, G replaced by A.
Protein change: p.Gly621Ser; replaces glycine 621 with serine.
Molecular consequence: missense variant.
Genome position (GRCh38, 1-based): chr11:2,847,833, G>A. VCF-style: chr11-2847833-G-A. GRCh37 (hg19) VCF-style: chr11-2869063-G-A.
Other names: c.1765G>A, p.Gly589Ser (NM_001406836.1); c.1591G>A, p.Gly531Ser (NM_001406837.1); c.1321G>A, p.Gly441Ser (NM_001406838.1); c.373G>A, p.Gly125Ser (NM_001406839.1); c.1480G>A, p.Gly494Ser (NM_181798.2); c.1861G>A (LRG_287t1); short protein forms G621S, G494S, G125S, G441S, G589S, G531S.
Identifiers: ClinVar variation 67061 (VCV000067061.25), dbSNP rs199472820, ClinGen allele CA006526.

ClinVar aggregate classification (germline): Conflicting classifications of pathogenicity. Review status: criteria provided, conflicting classifications (1 of 4 stars). 10 submissions from 10 submitters: Uncertain significance (7); Likely benign (2). 1 of the submissions does not count toward it. Last evaluated 2025-12-13.

Conditions:
Cardiac arrhythmia. Also called: Arrhythmia; Cardiac rhythm disease. Identifiers: MedGen C0003811, MONDO:0007263, HP:0011675.
Cardiovascular phenotype. Identifiers: MedGen CN230736.
KCNQ1-related disorder. Also called: KCNQ1-related condition; KCNQ1-related disorders. Identifiers: MedGen CN239322.
Long QT syndrome 1 (LQT1). Identifiers: Orphanet 101016, Orphanet 768, MedGen C4551647, MONDO:0100316, OMIM 192500, MONDO:0008646.
Short QT syndrome type 2. Identifiers: Orphanet 51083, MedGen C1865019, MONDO:0012313, OMIM 609621.
Beckwith-Wiedemann syndrome (BWS). Also called: EMG SYNDROME; Exomphalos macroglossia gigantism syndrome. Identifiers: Orphanet 116, MedGen C0004903, MONDO:0007534, OMIM 130650.
Jervell and Lange-Nielsen syndrome 1 (JLNS1). Also called: CARDIOAUDITORY SYNDROME OF JERVELL AND LANGE-NIELSEN; DEAFNESS, CONGENITAL, AND FUNCTIONAL HEART DISEASE; PROLONGED QT INTERVAL IN EKG AND SUDDEN DEATH; SURDO-CARDIAC SYNDROME. Identifiers: Orphanet 768, Orphanet 90647, MedGen C4551509, MONDO:0024540, OMIM 220400.
Atrial fibrillation, familial, 3 (ATFB3). Identifiers: MedGen C1837014, MONDO:0011857, OMIM 607554.
Long QT syndrome (LQTS). Identifiers: MedGen C0023976, MeSH D008133, MONDO:0002442. Disease mechanism: loss of function. Inheritance: Various modes of inheritance.

Allele frequency attached by ClinVar (database versions not stated): ExAC 0.00004; gnomAD 0.00023 and 0.00024; TOPMed 0.00030; 1000 Genomes Project 30x 0.00031.
gnomAD v4.1: 90 of 1,568,874 alleles (0.0057%); highest among the groups gnomAD compares: African/African-American, 0.039%; 1 homozygote.

Submissions (10):

Labcorp Genetics (formerly Invitae), Labcorp
Classification: Likely benign for Long QT syndrome. Last evaluated: 2025-12-13. Review status: criteria provided, single submitter. Criteria: Invitae Variant Classification Sherloc (09022015). Collection method: clinical testing. Allele origin: germline.

GeneDx
Classification: Uncertain significance. Last evaluated: 2025-12-11. Review status: criteria provided, single submitter. Criteria: GeneDx Variant Classification Process June 2021. Collection method: clinical testing. Allele origin: germline. Affected: yes.
Comment: Identified in individuals referred for arrhythmia genetic testing at GeneDx, although one individual harbored an additional variant, and the limited segregation data available are not sufficient to clarify the role of this variant in disease; The G621S variant has also been reported in at least one ostensibly healthy African American individual (Ackerman et al., 2003; Kapa et al., 2009; Giudicessi et al., 2012); In silico analysis suggests that this missense variant does not alter protein structure/function; This variant is associated with the following publications: (PMID: 19841300, 22949429, 28706299, 25447171, 29247119, 14661677, 36693943, 32268277, 32917565)

PreventionGenetics, part of Exact Sciences
Classification: Uncertain significance for KCNQ1-related condition. Last evaluated: 2025-02-14. Review status: criteria provided, single submitter. Criteria: ACMG Guidelines, 2015. Collection method: clinical testing. Allele origin: germline.
Comment: The KCNQ1 c.1861G>A variant is predicted to result in the amino acid substitution p.Gly621Ser. This variant has been reported in individuals undergoing sequencing for sudden cardiac death (Ackerman et al. 2003. PubMed ID: 14661677; Campuzano et al. 2014. PubMed ID: 25447171; Table S3, Lin et al. 2017. PubMed ID: 29247119). One patient also harbored variants in other cardiac disease-related genes (Campuzano et al. 2014. PubMed ID: 25447171). This variant has also been reported in an individual with long QT syndrome (Campuzano et al. 2020. PubMed ID: 32268277). This variant is reported in 0.037% of alleles in individuals of African descent in gnomAD, including one homozygote in the Latino population. At this time, the clinical significance of this variant is uncertain due to the absence of conclusive functional and genetic evidence.

Women's Health and Genetics/Laboratory Corporation of America, LabCorp
Classification: Uncertain significance. Last evaluated: 2024-12-02. Review status: criteria provided, single submitter. Criteria: LabCorp Variant Classification Summary - May 2015. Collection method: clinical testing. Allele origin: germline.
Comment: Variant summary: KCNQ1 c.1861G>A (p.Gly621Ser) results in a non-conservative amino acid change in the encoded protein sequence. Three of five in-silico tools predict a benign effect of the variant on protein function. The variant allele was found at a frequency of 5.6e-05 in 177610 control chromosomes, including 1 homozygote. This frequency is not significantly higher than estimated for a pathogenic variant in KCNQ1 causing Jervell And Lange-Nielsen Syndrome (5.6e-05 vs 0.0024), allowing no conclusion about variant significance. c.1861G>A has been reported in the literature in the presumed heterozygous state in multiple individuals affected by sudden unexplained death and also in an individual affected with Long QT Syndrome (Campuzano_2014, Lin_2017, Campuzano_2020, Ripoll-Vera_2021, Martinez-Barrios_2023), but it was also reported in an apparently healthy control (Ackerman_2003) and no segregation with disease was observed in families. These reports do not provide unequivocal conclusions about association of the variant with KCNQ1-related conditions. To our knowledge, no experimental evidence demonstrating an impact on protein function has been reported. The following publications have been ascertained in the context of this evaluation (PMID: 14661677, 32268277, 25447171, 29247119, 32917565, 36693943). ClinVar contains an entry for this variant (Variation ID: 67061). Based on the evidence outlined above, the variant was classified as uncertain significance.

All of Us Research Program, National Institutes of Health
Classification: Uncertain significance for Long QT syndrome. Last evaluated: 2024-08-06. Review status: criteria provided, single submitter. Criteria: ACMG Guidelines, 2015. Collection method: clinical testing. Allele origin: germline. Inheritance: Autosomal dominant inheritance. Observed: 46 variant alleles, 46 heterozygotes.
Comment: This missense variant replaces glycine with serine at codon 621 of the KCNQ1 protein. Computational prediction is inconclusive regarding the impact of this variant on protein structure and function (internally defined REVEL score threshold 0.5 < inconclusive < 0.7, PMID: 27666373). To our knowledge, functional studies have not been reported for this variant. This variant has been reported in two individuals affected with sudden cardiac death (PMID: 25447171, 32917565) and in an individual affected with long QT syndrome (PMID: 32268277). This variant has also been identified in 16/208352 chromosomes in the general population, including 1 homozygous individual in Latino, by the Genome Aggregation Database (gnomAD). The available evidence is insufficient to determine the role of this variant in disease conclusively. Therefore, this variant is classified as a Variant of Uncertain Significance.

This study involves interpretation of variants in research participants for the purpose of population health screening. Participant phenotype was not available at the time of variant classification. Additional details can be found in publication PMID: 35346344, PMCID: PMC8962531

Color Diagnostics, LLC DBA Color Health
Classification: Uncertain significance for Cardiac arrhythmia. Last evaluated: 2024-02-15. Review status: criteria provided, single submitter. Criteria: ACMG Guidelines, 2015. Collection method: clinical testing. Allele origin: germline.
Comment: This missense variant replaces glycine with serine at codon 621 of the KCNQ1 protein. Computational prediction is inconclusive regarding the impact of this variant on protein structure and function (internally defined REVEL score threshold 0.5 < inconclusive < 0.7, PMID: 27666373). To our knowledge, functional studies have not been reported for this variant. This variant has been reported in two individuals affected with sudden cardiac death (PMID: 25447171, 32917565) and in an individual affected with long QT syndrome (PMID: 32268277). This variant has also been identified in 16/208352 chromosomes in the general population, including 1 homozygous individual in Latino, by the Genome Aggregation Database (gnomAD). The available evidence is insufficient to determine the role of this variant in disease conclusively. Therefore, this variant is classified as a Variant of Uncertain Significance.

Blueprint Genetics
Classification: Likely benign. Last evaluated: 2022-02-24. Review status: criteria provided, single submitter. Criteria: ACMG Guidelines, 2015. Collection method: clinical testing. Allele origin: germline.

Fulgent Genetics
Classification: Uncertain significance for Beckwith-Wiedemann syndrome; Long QT syndrome 1; Jervell and Lange-Nielsen syndrome 1; Atrial fibrillation, familial, 3; Short QT syndrome type 2. Last evaluated: 2021-09-01. Review status: criteria provided, single submitter. Criteria: ACMG Guidelines, 2015. Collection method: clinical testing. Allele origin: unknown.

Ambry Genetics
Classification: Uncertain significance for Cardiovascular phenotype. Last evaluated: 2021-01-21. Review status: criteria provided, single submitter. Criteria: Ambry Variant Classification Scheme 2023. Collection method: clinical testing. Allele origin: germline.

Cardiovascular Biomedical Research Unit, Royal Brompton & Harefield NHS Foundation Trust
No classification provided. Review status: no classification provided. Collection method: literature only. Allele origin: germline. Not counted in ClinVar's aggregate classification.
Comment: This variant has been reported in the following publications (PMID:14661677;PMID:19841300).

Literature cited by the submitters: PubMed 14661677 (cited by Women's Health and Genetics/Laboratory Corporation of America, LabCorp and Cardiovascular Biomedical Research Unit, Royal Brompton & Harefield NHS Foundation Trust); PubMed 25447171 (cited by 3 submitters); PubMed 29247119 (cited by Women's Health and Genetics/Laboratory Corporation of America, LabCorp); PubMed 32268277 (cited by 3 submitters); PubMed 32917565 (cited by 3 submitters); PubMed 36693943 (cited by Women's Health and Genetics/Laboratory Corporation of America, LabCorp); PubMed 19841300 (cited by Cardiovascular Biomedical Research Unit, Royal Brompton & Harefield NHS Foundation Trust); PubMed 22581653 (cited by Cardiovascular Biomedical Research Unit, Royal Brompton & Harefield NHS Foundation Trust).